The following is an entry in ClinVar:

NM_017849.4(TMEM127):c.54G>A (p.Pro18=)

Genes: TMEM127 (transmembrane protein 127; minus strand), LOC129934333 (ATAC-STARR-seq lymphoblastoid silent region 11759; plus strand). Cytogenetic location: 2q11.2.
Variant type: single nucleotide variant.
Coding change: c.54G>A on transcript NM_017849.4 (MANE Select); coding-DNA position 54, G replaced by A.
Protein change: p.Pro18=; no amino-acid change (proline 18 retained).
Molecular consequence: synonymous variant. On other transcripts: intron variant (1).
Genome position (GRCh38, 1-based): chr2:96,265,328, C>T on the plus strand (G>A on the coding strand, the complement: TMEM127 is on the minus strand). VCF-style: chr2-96265328-C-T. GRCh37 (hg19) VCF-style: chr2-96931066-C-T.
Other names: c.54G>A, p.Pro18= (NM_001193304.3); c.-9+541G>A (NM_001407283.1).
Identifiers: ClinVar variation 5042181 (VCV005042181.1).

ClinVar aggregate classification (germline): Benign (1 of 4 stars; one submission).

Conditions:
Hereditary pheochromocytoma and paraganglioma. Also called: Hereditary Paraganglioma-Pheochromocytoma Syndromes; Hereditary paragangliomas and pheochromocytomas; Hereditary pheochromocytoma-paraganglioma. Identifiers: Orphanet 29072, MedGen C4274332, MONDO:0017366.

Submission:

Myriad Genetics, Inc.
Classification: Benign for Hereditary pheochromocytoma and paraganglioma. Last evaluated: 2026-07-28. Review status: criteria provided, single submitter. Criteria: Myriad Autosomal Dominant, Autosomal Recessive and X-Linked Classification Criteria (2023). Collection method: clinical testing. Allele origin: unknown.
Comment: This variant is considered benign. This variant is a silent/synonymous amino acid change and it is not expected to impact splicing.